The following is an entry in ClinVar:

NM_000070.3(CAPN3):c.1650T>C (p.Pro550=)

Gene: CAPN3 (calpain 3; plus strand). Cytogenetic location: 15q15.1.
Variant type: single nucleotide variant.
Coding change: c.1650T>C on transcript NM_000070.3 (MANE Select); coding-DNA position 1650, T replaced by C.
Protein change: p.Pro550=; no amino-acid change (proline 550 retained).
Molecular consequence: synonymous variant.
Genome position (GRCh38, 1-based): chr15:42,402,907, T>C. VCF-style: chr15-42402907-T-C. GRCh37 (hg19) VCF-style: chr15-42695105-T-C.
Other names: c.1650T>C, p.Pro550= (NM_024344.2); c.1506T>C, p.Pro502= (NM_173087.2); c.114T>C, p.Pro38= (NM_173088.2); c.1650T>C (NM_000070.2).
Identifiers: ClinVar variation 595220 (VCV000595220.17), dbSNP rs766405190, ClinGen allele CA7511455.
Genomic context (GRCh38, chr15:42,402,907, plus strand): 5'-CAAGGCCAGGAGCAAAACCTACATCAACATGCGGGAGGTGTCCCAGCGCTTCCGCCTGCC[T>C]CCCAGCGAGTACGTCATCGTGCCCTCCACCTACGAGCCCCACCAGGAGGGGGAATTCATC-3'
Protein context (NP_000061.1, residues 540-560): MREVSQRFRL[Pro550=]PSEYVIVPST

ClinVar aggregate classification (germline): Conflicting classifications of pathogenicity. Review status: criteria provided, conflicting classifications (1 of 4 stars). 5 submissions from 5 submitters: Uncertain significance (1); Likely benign (2). 2 of the submissions do not count toward it. Last evaluated 2024-08-05.

Conditions:
CAPN3-related disorder. Also called: CAPN3-related condition; CAPN3-related disorders. Identifiers: MedGen CN239245.
Autosomal recessive limb-girdle muscular dystrophy type 2A (LGMDR1). Also called: Limb-girdle muscular dystrophy, type 2A; Muscular dystrophy, limb-girdle, type 2A, Amish; Calpainopathy; LEYDEN-MOEBIUS MUSCULAR DYSTROPHY; MUSCULAR DYSTROPHY, PELVOFEMORAL. Identifiers: Orphanet 267, MedGen C1869123, MONDO:0009675, OMIM 253600. Disease mechanism: loss of function.

Allele frequency attached by ClinVar (database versions not stated): gnomAD exomes below 0.00001 and 0.00001; TOPMed below 0.00001; gnomAD 0.00001; ExAC 0.00002.
gnomAD v4.1: 9 of 1,614,018 alleles (0.00056%); highest among the groups gnomAD compares: East Asian, 0.016%; no homozygotes.

Submissions (5):

Labcorp Genetics (formerly Invitae), Labcorp
Classification: Likely benign for Autosomal recessive limb-girdle muscular dystrophy type 2A. Last evaluated: 2024-08-05. Review status: criteria provided, single submitter. Criteria: Invitae Variant Classification Sherloc (09022015). Collection method: clinical testing. Allele origin: germline.

Blueprint Genetics
Classification: Likely benign. Last evaluated: 2023-08-22. Review status: criteria provided, single submitter. Criteria: ACMG Guidelines, 2015. Collection method: clinical testing. Allele origin: germline.

Eurofins Ntd Llc (ga)
Classification: Uncertain significance. Last evaluated: 2017-12-06. Review status: criteria provided, single submitter. Criteria: EGL Classification Definitions 2015. Collection method: clinical testing. Allele origin: germline. Observed: 1 variant allele, 1 heterozygote.

Natera, Inc.
Classification: Uncertain significance for Limb-girdle muscular dystrophy type 2A. Last evaluated: 2020-04-17. Review status: no assertion criteria provided. Collection method: clinical testing. Allele origin: germline. Not counted in ClinVar's aggregate classification.

PreventionGenetics, part of Exact Sciences
Classification: Likely benign for CAPN3-related condition. Last evaluated: 2019-08-09. Review status: no assertion criteria provided. Collection method: clinical testing. Allele origin: germline. Not counted in ClinVar's aggregate classification.
Comment: This variant is classified as likely benign based on ACMG/AMP sequence variant interpretation guidelines (Richards et al. 2015 PMID: 25741868, with internal and published modifications).